The following is an entry in ClinVar:

NM_001414.4(EIF2B1):c.517G>A (p.Val173Ile)

Gene: EIF2B1 (eukaryotic translation initiation factor 2B subunit alpha; minus strand). Cytogenetic location: 12q24.31.
Variant type: single nucleotide variant.
Coding change: c.517G>A on transcript NM_001414.4 (MANE Select); coding-DNA position 517, G replaced by A.
Protein change: p.Val173Ile; replaces valine 173 with isoleucine.
Molecular consequence: missense variant.
Genome position (GRCh38, 1-based): chr12:123,626,459, C>T on the plus strand (G>A on the coding strand, the complement: EIF2B1 is on the minus strand). VCF-style: chr12-123626459-C-T. GRCh37 (hg19) VCF-style: chr12-124111006-C-T.
Other names: c.517G>A (NM_001414.3); short protein forms V173I.
Identifiers: ClinVar variation 2182346 (VCV002182346.3), dbSNP rs201342513, ClinGen allele CA6860069.

ClinVar aggregate classification (germline): Uncertain significance. Review status: criteria provided, multiple submitters, no conflicts (2 of 4 stars). 2 submissions from 2 submitters: Uncertain significance (2). Last evaluated 2025-09-26.

Conditions:
Inborn genetic diseases. Identifiers: MedGen C0950123, MeSH D030342.

Allele frequency attached by ClinVar (database versions not stated): gnomAD 0.00006; 1000 Genomes Project 0.00020; TOPMed 0.00013; ExAC 0.00005; 1000 Genomes Project 30x 0.00031.
gnomAD v4.1: 52 of 1,614,042 alleles (0.0032%); highest among the groups gnomAD compares: Admixed American, 0.028%; no homozygotes.

Submissions (2):

Ambry Genetics
Classification: Uncertain significance for Inborn genetic diseases. Last evaluated: 2025-09-26. Review status: criteria provided, single submitter. Criteria: Ambry Variant Classification Scheme 2023. Collection method: clinical testing. Allele origin: germline.

Labcorp Genetics (formerly Invitae), Labcorp
Classification: Uncertain significance. Last evaluated: 2022-06-08. Review status: criteria provided, single submitter. Criteria: Invitae Variant Classification Sherloc (09022015). Collection method: clinical testing. Allele origin: germline.
Comment: This sequence change replaces valine, which is neutral and non-polar, with isoleucine, which is neutral and non-polar, at codon 173 of the EIF2B1 protein (p.Val173Ile). This variant is present in population databases (rs201342513, gnomAD 0.03%). This variant has not been reported in the literature in individuals affected with EIF2B1-related conditions. Algorithms developed to predict the effect of missense changes on protein structure and function (SIFT, PolyPhen-2, Align-GVGD) all suggest that this variant is likely to be tolerated. In summary, the available evidence is currently insufficient to determine the role of this variant in disease. Therefore, it has been classified as a Variant of Uncertain Significance.